The following is an entry in ClinVar:

ClinVar aggregate classification (germline): Uncertain significance (1 of 4 stars; one submission).

Conditions:
Severe combined immunodeficiency due to IKK2 deficiency. Also called: Immunodeficiency 15; IMMUNODEFICIENCY 15B. Identifiers: Orphanet 397787, MedGen C4747743, MONDO:0014267, OMIM 615592.

Submission:

Labcorp Genetics (formerly Invitae), Labcorp
Classification: Uncertain significance for Severe combined immunodeficiency due to IKK2 deficiency. Last evaluated: 2023-07-17. Review status: criteria provided, single submitter. Criteria: Invitae Variant Classification Sherloc (09022015). Collection method: clinical testing. Allele origin: germline.
Comment: In summary, the available evidence is currently insufficient to determine the role of this variant in disease. Therefore, it has been classified as a Variant of Uncertain Significance. Advanced modeling of protein sequence and biophysical properties (such as structural, functional, and spatial information, amino acid conservation, physicochemical variation, residue mobility, and thermodynamic stability) performed at Invitae indicates that this missense variant is not expected to disrupt IKBKB protein function. ClinVar contains an entry for this variant (Variation ID: 1371196). This variant has not been reported in the literature in individuals affected with IKBKB-related conditions. This variant is not present in population databases (gnomAD no frequency). This sequence change replaces arginine, which is basic and polar, with glycine, which is neutral and non-polar, at codon 606 of the IKBKB protein (p.Arg606Gly).

NM_001556.3(IKBKB):c.1816C>G (p.Arg606Gly)

Gene: IKBKB (inhibitor of nuclear factor kappa B kinase subunit beta; plus strand). Cytogenetic location: 8p11.21.
Variant type: single nucleotide variant.
Coding change: c.1816C>G on transcript NM_001556.3 (MANE Select); coding-DNA position 1816, C replaced by G.
Protein change: p.Arg606Gly; replaces arginine 606 with glycine.
Molecular consequence: missense variant. On other transcripts: non-coding transcript variant (3).
Genome position (GRCh38, 1-based): chr8:42,322,131, C>G. VCF-style: chr8-42322131-C-G. GRCh37 (hg19) VCF-style: chr8-42179649-C-G.
Other names: c.1624C>G, p.Arg542Gly (NM_001190720.3); c.1639C>G, p.Arg547Gly (NM_001242778.2); short protein forms R547G, R606G, R542G.
Identifiers: ClinVar variation 1371196 (VCV001371196.6), dbSNP rs768351634, ClinGen allele CA371092508.